The following is an entry in ClinVar:

ClinVar aggregate classification (germline): Uncertain significance (1 of 4 stars; one submission).

Allele frequency attached by ClinVar (database versions not stated): gnomAD exomes below 0.00001.
gnomAD v4.1: 1 of 1,613,548 alleles (0.000062%); highest among the groups gnomAD compares: Non-Finnish European, 0.000085%; no homozygotes.

Submission:

Labcorp Genetics (formerly Invitae), Labcorp
Classification: Uncertain significance. Last evaluated: 2022-02-19. Review status: criteria provided, single submitter. Criteria: Invitae Variant Classification Sherloc (09022015). Collection method: clinical testing. Allele origin: germline.
Comment: This sequence change replaces threonine, which is neutral and polar, with isoleucine, which is neutral and non-polar, at codon 924 of the AEBP1 protein (p.Thr924Ile). This variant is not present in population databases (gnomAD no frequency). This variant has not been reported in the literature in individuals affected with AEBP1-related conditions. Algorithms developed to predict the effect of missense changes on protein structure and function are either unavailable or do not agree on the potential impact of this missense change (SIFT: "Deleterious"; PolyPhen-2: "Probably Damaging"; Align-GVGD: "Class C0"). In summary, the available evidence is currently insufficient to determine the role of this variant in disease. Therefore, it has been classified as a Variant of Uncertain Significance.

NM_001129.5(AEBP1):c.2771C>T (p.Thr924Ile)

Gene: AEBP1 (AE binding protein 1; plus strand). Cytogenetic location: 7p13.
Variant type: single nucleotide variant.
Coding change: c.2771C>T on transcript NM_001129.5 (MANE Select); coding-DNA position 2771, C replaced by T.
Protein change: p.Thr924Ile; replaces threonine 924 with isoleucine.
Molecular consequence: missense variant.
Genome position (GRCh38, 1-based): chr7:44,113,313, C>T. VCF-style: chr7-44113313-C-T. GRCh37 (hg19) VCF-style: chr7-44152912-C-T.
Other names: short protein forms T924I.
Identifiers: ClinVar variation 1955502 (VCV001955502.2), dbSNP rs2484361949, ClinGen allele CA367372749.
Genomic context (GRCh38, chr7:44,113,313, plus strand): 5'-TGCACCGCGGCATTAAGGGGGTGGTGACGGACGAGCAAGGCATCCCCATTGCCAACGCCA[C>T]CATCTCTGTGAGTGGCATTAATCACGGCGTGAAGACAGGTACCTAGTGTGCACACCTTTA-3'
Protein context (NP_001120.3, residues 914-934): DEQGIPIANA[Thr924Ile]ISVSGINHGV